The following is an entry in ClinVar:

ClinVar aggregate classification (germline): Uncertain significance (1 of 4 stars; one submission).

Conditions:
Holoprosencephaly 3 (HPE3). Identifiers: Orphanet 2162, MedGen C1840529, MONDO:0007733, OMIM 142945.

Submission:

Labcorp Genetics (formerly Invitae), Labcorp
Classification: Uncertain significance for Holoprosencephaly 3. Last evaluated: 2025-07-07. Review status: criteria provided, single submitter. Criteria: Invitae Variant Classification Sherloc (09022015). Collection method: clinical testing. Allele origin: germline.
Comment: This sequence change replaces glutamic acid, which is acidic and polar, with aspartic acid, which is acidic and polar, at codon 286 of the SHH protein (p.Glu286Asp). This variant is not present in population databases (gnomAD no frequency). This variant has not been reported in the literature in individuals affected with SHH-related conditions. ClinVar contains an entry for this variant (Variation ID: 2096891). An algorithm developed to predict the effect of missense changes on protein structure and function (PolyPhen-2) suggests that this variant is likely to be tolerated. In summary, the available evidence is currently insufficient to determine the role of this variant in disease. Therefore, it has been classified as a Variant of Uncertain Significance.

NM_000193.4(SHH):c.858G>C (p.Glu286Asp)

Gene: SHH (sonic hedgehog signaling molecule; minus strand). Cytogenetic location: 7q36.3.
Variant type: single nucleotide variant.
Coding change: c.858G>C on transcript NM_000193.4 (MANE Select); coding-DNA position 858, G replaced by C.
Protein change: p.Glu286Asp; replaces glutamic acid 286 with aspartic acid.
Molecular consequence: missense variant. On other transcripts: intron variant (1).
Genome position (GRCh38, 1-based): chr7:155,803,431, C>G on the plus strand (G>C on the coding strand, the complement: SHH is on the minus strand). VCF-style: chr7-155803431-C-G. GRCh37 (hg19) VCF-style: chr7-155596125-C-G.
Other names: c.301+2865G>C (NM_001310462.2); short protein forms E286D.
Identifiers: ClinVar variation 2096891 (VCV002096891.4), dbSNP rs1289213073, ClinGen allele CA370145901.